The following is an entry in ClinVar:

NM_030665.4(RAI1):c.4772G>A (p.Arg1591Gln)

Gene: RAI1 (retinoic acid induced 1; plus strand). Cytogenetic location: 17p11.2.
Variant type: single nucleotide variant.
Coding change: c.4772G>A on transcript NM_030665.4 (MANE Select); coding-DNA position 4772, G replaced by A.
Protein change: p.Arg1591Gln; replaces arginine 1591 with glutamine.
Molecular consequence: missense variant.
Genome position (GRCh38, 1-based): chr17:17,797,720, G>A. VCF-style: chr17-17797720-G-A. GRCh37 (hg19) VCF-style: chr17-17701034-G-A.
Other names: short protein forms R1591Q.
Identifiers: ClinVar variation 4990388 (VCV004990388.1).

ClinVar aggregate classification (germline): Uncertain significance (1 of 4 stars; one submission).

Conditions:
RAI1-related disorder. Also called: RAI1-related condition.

gnomAD v4.1: 32 of 1,613,512 alleles (0.002%); highest among the groups gnomAD compares: South Asian, 0.0033%; no homozygotes.

Submission:

PreventionGenetics, part of Exact Sciences
Classification: Uncertain significance for RAI1-related condition. Last evaluated: 2025-07-08. Review status: criteria provided, single submitter. Criteria: ACMG Guidelines, 2015. Collection method: clinical testing. Allele origin: germline.
Comment: The RAI1 c.4772G>A variant is predicted to result in the amino acid substitution p.Arg1591Gln. To our knowledge, this variant has not been reported in the literature. This variant is reported in 0.0065% of alleles in individuals of South Asian descent in gnomAD. At this time, the clinical significance of this variant is uncertain due to the absence of conclusive functional and genetic evidence.